The following is an entry in ClinVar:

NM_001365276.2(TNXB):c.4848G>A (p.Gly1616=)

Gene: TNXB (tenascin XB; minus strand). Cytogenetic location: 6p21.33.
Variant type: single nucleotide variant.
Coding change: c.4848G>A on transcript NM_001365276.2 (MANE Select); coding-DNA position 4848, G replaced by A.
Protein change: p.Gly1616=; no amino-acid change (glycine 1616 retained).
Molecular consequence: synonymous variant.
Genome position (GRCh38, 1-based): chr6:32,072,132, C>T on the plus strand (G>A on the coding strand, the complement: TNXB is on the minus strand). VCF-style: chr6-32072132-C-T. GRCh37 (hg19) VCF-style: chr6-32039909-C-T.
Other names: p.Gly1616=; c.4848G>A, p.Gly1616= (NM_019105.8).
Identifiers: ClinVar variation 261139 (VCV000261139.46), dbSNP rs190967484, ClinGen allele CA3734872.
Genomic context (GRCh38, chr6:32,072,132, plus strand): 5'-TTCCAGGTCAGGGATAGTGACCTCCCGCTGATCTGCAGCCACGGGCACCACCTGGGGCTG[C>T]CCGTCCCTGTCCTTGTACTGAACCACAAAGGAGTCGAATTCACCCTCAGGGACTGTCCAT-3'
Protein context (NP_001352205.1, residues 1606-1626): SFVVQYKDRD[Gly1616=]QPQVVPVAAD

ClinVar aggregate classification (germline): Benign/Likely benign. Review status: criteria provided, multiple submitters, no conflicts (2 of 4 stars). 9 submissions from 9 submitters: Benign (8); Likely benign (1). Last evaluated 2026-09-01.

Conditions:
Cardiovascular phenotype. Identifiers: MedGen CN230736.
Ehlers-Danlos syndrome (EDS). Identifiers: Orphanet 98249, MedGen C0013720, MONDO:0020066.

Allele frequency attached by ClinVar (database versions not stated): 1000 Genomes Project 30x 0.00328; 1000 Genomes Project 0.00339; ESP Exome Variant Server 0.00733; TOPMed 0.00755; ExAC 0.00936; gnomAD 0.00981 and 0.01043; gnomAD exomes 0.01015.
gnomAD v4.1: 16,829 of 1,613,086 alleles (1%); highest among the groups gnomAD compares: Non-Finnish European, 1.1%; 132 homozygotes.

Submissions (9):

CeGaT Center for Human Genetics Tuebingen
Classification: Benign. Last evaluated: 2026-09-01. Review status: criteria provided, single submitter. Criteria: CeGaT Center For Human Genetics Tuebingen Variant Classification Criteria Version 2. Collection method: clinical testing. Allele origin: germline. Affected: yes. Observed: 44 variant alleles.
Comment: TNXB: BP4, BP7, BS1, BS2

Women's Health and Genetics/Laboratory Corporation of America, LabCorp
Classification: Benign. Last evaluated: 2026-04-15. Review status: criteria provided, single submitter. Criteria: LabCorp Variant Classification Summary - May 2015. Collection method: clinical testing. Allele origin: germline.

Labcorp Genetics (formerly Invitae), Labcorp
Classification: Benign. Last evaluated: 2026-02-02. Review status: criteria provided, single submitter. Criteria: Invitae Variant Classification Sherloc (09022015). Collection method: clinical testing. Allele origin: germline.

Blueprint Genetics
Classification: Likely benign. Last evaluated: 2024-11-26. Review status: criteria provided, single submitter. Criteria: ACMG Guidelines, 2015. Collection method: clinical testing. Allele origin: germline.

Mayo Clinic Laboratories, Mayo Clinic
Classification: Benign. Last evaluated: 2024-04-24. Review status: criteria provided, single submitter. Criteria: ACMG Guidelines, 2015. Collection method: clinical testing. Allele origin: germline. Observed: 62 variant alleles.
Comment: BS1, BS2, BP4, BP7

Genome Diagnostics Laboratory, The Hospital for Sick Children
Classification: Benign for Ehlers-Danlos syndrome. Last evaluated: 2022-05-27. Review status: criteria provided, single submitter. Criteria: ACMG Guidelines, 2015. Collection method: clinical testing. Allele origin: germline.

GeneDx
Classification: Benign. Last evaluated: 2019-07-23. Review status: criteria provided, single submitter. Criteria: GeneDx Variant Classification Process June 2021. Collection method: clinical testing. Allele origin: germline. Affected: yes.

Ambry Genetics
Classification: Benign for Cardiovascular phenotype. Last evaluated: 2018-12-17. Review status: criteria provided, single submitter. Criteria: Ambry Variant Classification Scheme 2023. Collection method: clinical testing. Allele origin: germline.

PreventionGenetics, part of Exact Sciences
Classification: Benign. Review status: criteria provided, single submitter. Criteria: ACMG Guidelines, 2015. Collection method: clinical testing. Allele origin: germline.